The following is an entry in ClinVar:

NM_022114.4(PRDM16):c.884+148A>G

Gene: PRDM16 (PR/SET domain 16; plus strand). Cytogenetic location: 1p36.32.
Variant type: single nucleotide variant.
Coding change: c.884+148A>G on transcript NM_022114.4 (MANE Select); 148 bases into the intron after coding-DNA position 884, A replaced by G.
Molecular consequence: intron variant.
Genome position (GRCh38, 1-based): chr1:3,403,146, A>G. VCF-style: chr1-3403146-A-G. GRCh37 (hg19) VCF-style: chr1-3319710-A-G.
Other names: c.884+148A>G (NM_199454.3).
Identifiers: ClinVar variation 674872 (VCV000674872.1), dbSNP rs189195695, ClinGen allele CA10656202.

ClinVar aggregate classification (germline): Likely benign (1 of 4 stars; one submission).

Allele frequency attached by ClinVar (database versions not stated): 1000 Genomes Project 0.00599; 1000 Genomes Project 30x 0.00640; TOPMed 0.01274; gnomAD 0.01596 and 0.01601.
gnomAD v4.1: 15,227 of 765,738 alleles (2%); highest among the groups gnomAD compares: Non-Finnish European, 2.4%; 275 homozygotes.

Submission:

GeneDx
Classification: Likely benign. Last evaluated: 2018-06-16. Review status: criteria provided, single submitter. Criteria: GeneDx Variant Classification (06012015). Collection method: clinical testing. Allele origin: germline. Affected: yes.
Comment: This variant is considered likely benign or benign based on one or more of the following criteria: it is a conservative change, it occurs at a poorly conserved position in the protein, it is predicted to be benign by multiple in silico algorithms, and/or has population frequency not consistent with disease.